The following is an entry in ClinVar:

ClinVar aggregate classification (germline): Uncertain significance (1 of 4 stars; one submission).

Conditions:
Cardiovascular phenotype. Identifiers: MedGen CN230736.
Hereditary cancer-predisposing syndrome. Also called: Hereditary Cancer Syndrome; Hereditary neoplastic syndrome; Neoplastic Syndromes, Hereditary; Tumor predisposition. Identifiers: Orphanet 140162, MedGen C0027672, MeSH D009386, MONDO:0015356.

Submission:

Ambry Genetics
Classification: Uncertain significance for Cardiovascular phenotype; Hereditary cancer-predisposing syndrome. Last evaluated: 2026-07-10. Review status: criteria provided, single submitter. Criteria: Ambry Variant Classification Scheme 2023. Collection method: clinical testing. Allele origin: germline.
Comment: The p.I2329L variant (also known as c.6985A>T), located in coding exon 46 of the NF1 gene, results from an A to T substitution at nucleotide position 6985. The isoleucine at codon 2329 is replaced by leucine, an amino acid with highly similar properties. This amino acid position is not well conserved in available vertebrate species. In addition, this alteration is predicted to be tolerated by in silico analysis. Based on the available evidence, the clinical significance of this variant remains unclear.

NM_001042492.3(NF1):c.7048A>T (p.Ile2350Leu)

Gene: NF1 (neurofibromin 1; plus strand). Cytogenetic location: 17q11.2.
Variant type: single nucleotide variant.
Coding change: c.7048A>T on transcript NM_001042492.3 (MANE Select); coding-DNA position 7048, A replaced by T.
Protein change: p.Ile2350Leu; replaces isoleucine 2350 with leucine.
Molecular consequence: missense variant.
Genome position (GRCh38, 1-based): chr17:31,340,631, A>T. VCF-style: chr17-31340631-A-T. GRCh37 (hg19) VCF-style: chr17-29667649-A-T.
Other names: c.6985A>T, p.Ile2329Leu (NM_000267.4); short protein forms I2329L, I2350L.
Identifiers: ClinVar variation 1756438 (VCV001756438.3), dbSNP rs1381254564, ClinGen allele CA399015204.
Genomic context (GRCh38, chr17:31,340,631, plus strand): 5'-TTGTATTCAGCAGGTACCGCACTTCTTGAACAAAACCTGCATACTTTAGATAGTCTCCGT[A>T]TATTCAATGACAAGGTAAGCAAACTTTGCCTTGAGGTTCCTAGATTACTCAAATTTAGTA-3'
Protein context (NP_001035957.1, residues 2340-2360): QNLHTLDSLR[Ile2350Leu]FNDKSPEEVF